The following is an entry in ClinVar:

NM_000884.3(IMPDH2):c.1049T>A (p.Val350Glu)

Gene: IMPDH2 (inosine monophosphate dehydrogenase 2; minus strand). Cytogenetic location: 3p21.31.
Variant type: single nucleotide variant.
Coding change: c.1049T>A on transcript NM_000884.3 (MANE Select); coding-DNA position 1049, T replaced by A.
Protein change: p.Val350Glu; replaces valine 350 with glutamic acid.
Molecular consequence: missense variant.
Genome position (GRCh38, 1-based): chr3:49,025,227, A>T on the plus strand (T>A on the coding strand, the complement: IMPDH2 is on the minus strand). VCF-style: chr3-49025227-A-T. GRCh37 (hg19) VCF-style: chr3-49062660-A-T.
Other names: c.1121T>A, p.Val374Glu (NM_001410759.1); c.1046T>A, p.Val349Glu (NM_001410760.1); c.974T>A, p.Val325Glu (NM_001410761.1); short protein forms V350E, V374E, V325E, V349E.
Identifiers: ClinVar variation 5008672 (VCV005008672.1).
Genomic context (GRCh38, chr3:49,025,227, plus strand): 5'-ACATTTTGGATTCCTCCATCAGCAATGACCGGAACACCAAAGCGCCGTGCATACTCTGAC[A>T]CCTTGTACACTGCTGTTGCTTGGGGCCGCCCACAGGCCAGCACTGTTGAGATGGAGGAAC-3'
Protein context (NP_000875.2, residues 340-360): GRPQATAVYK[Val350Glu]SEYARRFGVP

ClinVar aggregate classification (germline): Uncertain significance (1 of 4 stars; one submission).

Submission:

GeneDx
Classification: Uncertain significance. Last evaluated: 2026-03-06. Review status: criteria provided, single submitter. Criteria: GeneDx Variant Classification Process June 2021. Collection method: clinical testing. Allele origin: germline.
Comment: Not observed at significant frequency in large population cohorts (gnomAD); In silico analysis supports that this missense variant has a deleterious effect on protein structure/function; Has not been previously published as pathogenic or benign to our knowledge